The following is an entry in ClinVar:

NM_022124.6(CDH23):c.1964T>C (p.Val655Ala)

Gene: CDH23 (cadherin related 23; plus strand). Cytogenetic location: 10q22.1.
Variant type: single nucleotide variant.
Coding change: c.1964T>C on transcript NM_022124.6 (MANE Select); coding-DNA position 1964, T replaced by C.
Protein change: p.Val655Ala; replaces valine 655 with alanine.
Molecular consequence: missense variant.
Genome position (GRCh38, 1-based): chr10:71,682,550, T>C. VCF-style: chr10-71682550-T-C. GRCh37 (hg19) VCF-style: chr10-73442307-T-C.
Other names: c.1964T>C, p.Val655Ala (NM_001171930.2, NM_001171931.2); short protein forms V655A.
Identifiers: ClinVar variation 1017510 (VCV001017510.8), dbSNP rs1864698159, ClinGen allele CA377132765.

ClinVar aggregate classification (germline): Uncertain significance (1 of 4 stars; one submission).

Allele frequency attached by ClinVar (database versions not stated): gnomAD exomes below 0.00001.
gnomAD v4.1: 1 of 1,613,622 alleles (0.000062%); highest among the groups gnomAD compares: South Asian, 0.0011%; no homozygotes.

Submission:

Labcorp Genetics (formerly Invitae), Labcorp
Classification: Uncertain significance. Last evaluated: 2022-10-05. Review status: criteria provided, single submitter. Criteria: Invitae Variant Classification Sherloc (09022015). Collection method: clinical testing. Allele origin: germline.
Comment: This variant is not present in population databases (gnomAD no frequency). In summary, the available evidence is currently insufficient to determine the role of this variant in disease. Therefore, it has been classified as a Variant of Uncertain Significance. Advanced modeling of protein sequence and biophysical properties (such as structural, functional, and spatial information, amino acid conservation, physicochemical variation, residue mobility, and thermodynamic stability) performed at Invitae indicates that this missense variant is not expected to disrupt CDH23 protein function. ClinVar contains an entry for this variant (Variation ID: 1017510). This variant has not been reported in the literature in individuals affected with CDH23-related conditions. This sequence change replaces valine, which is neutral and non-polar, with alanine, which is neutral and non-polar, at codon 655 of the CDH23 protein (p.Val655Ala).